The following is an entry in ClinVar:

NM_015102.5(NPHP4):c.3440C>T (p.Ala1147Val)

Gene: NPHP4 (nephrocystin 4; minus strand). Cytogenetic location: 1p36.31.
Variant type: single nucleotide variant.
Coding change: c.3440C>T on transcript NM_015102.5 (MANE Select); coding-DNA position 3440, C replaced by T.
Protein change: p.Ala1147Val; replaces alanine 1147 with valine.
Molecular consequence: missense variant. On other transcripts: non-coding transcript variant (1).
Genome position (GRCh38, 1-based): chr1:5,867,772, G>A on the plus strand (C>T on the coding strand, the complement: NPHP4 is on the minus strand). VCF-style: chr1-5867772-G-A. GRCh37 (hg19) VCF-style: chr1-5927832-G-A.
Other names: c.1901C>T, p.Ala634Val (NM_001291593.2); c.1904C>T, p.Ala635Val (NM_001291594.2); short protein forms A1147V, A634V, A635V.
Identifiers: ClinVar variation 2146556 (VCV002146556.2), dbSNP rs200111670, ClinGen allele CA553619.

ClinVar aggregate classification (germline): Uncertain significance (1 of 4 stars; one submission).

Conditions:
Nephronophthisis. Also called: Juvenile Nephronophthisis. Identifiers: Orphanet 655, MedGen C0687120, MONDO:0019005, HP:0000090.

Allele frequency attached by ClinVar (database versions not stated): gnomAD exomes below 0.00001; ExAC 0.00001; gnomAD 0.00001; 1000 Genomes Project 30x 0.00016; 1000 Genomes Project 0.00020.
gnomAD v4.1: 5 of 1,611,798 alleles (0.00031%); highest among the groups gnomAD compares: Admixed American, 0.0083%; no homozygotes.

Submission:

Labcorp Genetics (formerly Invitae), Labcorp
Classification: Uncertain significance for Nephronophthisis. Last evaluated: 2022-05-28. Review status: criteria provided, single submitter. Criteria: Invitae Variant Classification Sherloc (09022015). Collection method: clinical testing. Allele origin: germline.
Comment: This sequence change replaces alanine, which is neutral and non-polar, with valine, which is neutral and non-polar, at codon 1147 of the NPHP4 protein (p.Ala1147Val). This variant is present in population databases (rs200111670, gnomAD 0.003%). This variant has not been reported in the literature in individuals affected with NPHP4-related conditions. Algorithms developed to predict the effect of missense changes on protein structure and function are either unavailable or do not agree on the potential impact of this missense change (SIFT: "Tolerated"; PolyPhen-2: "Possibly Damaging"; Align-GVGD: "Class C0"). Algorithms developed to predict the effect of sequence changes on RNA splicing suggest that this variant may create or strengthen a splice site. In summary, the available evidence is currently insufficient to determine the role of this variant in disease. Therefore, it has been classified as a Variant of Uncertain Significance.